The following is an entry in ClinVar:

NM_000194.3(HPRT1):c.416C>A (p.Thr139Asn)

Gene: HPRT1 (hypoxanthine phosphoribosyltransferase 1; plus strand). Cytogenetic location: Xq26.2.
Variant type: single nucleotide variant.
Coding change: c.416C>A on transcript NM_000194.3 (MANE Select); coding-DNA position 416, C replaced by A.
Protein change: p.Thr139Asn; replaces threonine 139 with asparagine.
Molecular consequence: missense variant.
Genome position (GRCh38, 1-based): chrX:134,493,521, C>A. VCF-style: chrX-134493521-C-A. GRCh37 (hg19) VCF-style: chrX-133627551-C-A.
Other names: p.Thr139Asn; short protein forms T139N.
Identifiers: ClinVar variation 3255603 (VCV003255603.2).

ClinVar aggregate classification (germline): Likely pathogenic (1 of 4 stars; one submission).

Conditions:
Lesch-Nyhan syndrome (LNS). Also called: HPRT DEFICIENCY, COMPLETE; Lesch-Nyhan Disease (LND). Identifiers: Orphanet 510, MedGen C0023374, MONDO:0010298, OMIM 300322.

Submission:

Breakthrough Genomics
Classification: Likely pathogenic for Lesch-Nyhan syndrome. Last evaluated: 2021-01-05. Review status: criteria provided, single submitter. Criteria: ACMG Guidelines, 2015. Collection method: clinical testing. Allele origin: germline. Affected: yes.
Comment: This variant lies in the phosphoribosyltransferase domain and nucleotide binding region (134-142 aa) of the protein [UniProt] and predicted to be damaging by in-silico missense prediction tools (SIFT and Polyphen2). The variant seems to be a novel variant, as it has not been previously reported in population or public databases or in the literature. The variant lies in highly conserved region (127-143 amino acids) from human to bacteria and according to Human HPRT Mutation Data Base, 77% of nucleotides in this region shown to be mutable sites [PMID: 27379977].